The following is an entry in ClinVar:

NM_000466.3(PEX1):c.2654C>G (p.Thr885Arg)

Gene: PEX1 (peroxisomal biogenesis factor 1; minus strand). Cytogenetic location: 7q21.2.
Variant type: single nucleotide variant.
Coding change: c.2654C>G on transcript NM_000466.3 (MANE Select); coding-DNA position 2654, C replaced by G.
Protein change: p.Thr885Arg; replaces threonine 885 with arginine.
Molecular consequence: missense variant.
Genome position (GRCh38, 1-based): chr7:92,499,768, G>C on the plus strand (C>G on the coding strand, the complement: PEX1 is on the minus strand). VCF-style: chr7-92499768-G-C. GRCh37 (hg19) VCF-style: chr7-92129082-G-C.
Other names: c.2483C>G, p.Thr828Arg (NM_001282677.2); c.2030C>G, p.Thr677Arg (NM_001282678.2); short protein forms T677R, T828R, T885R.
Identifiers: ClinVar variation 3768537 (VCV003768537.1).

ClinVar aggregate classification (germline): Uncertain significance (1 of 4 stars; one submission).

Submission:

Women's Health and Genetics/Laboratory Corporation of America, LabCorp
Classification: Uncertain significance. Last evaluated: 2024-12-18. Review status: criteria provided, single submitter. Criteria: LabCorp Variant Classification Summary - May 2015. Collection method: clinical testing. Allele origin: germline.
Comment: Variant summary: PEX1 c.2654C>G (p.Thr885Arg) results in a non-conservative amino acid change in the encoded protein sequence. Five of five in-silico tools predict a damaging effect of the variant on protein function. The variant was absent in 251398 control chromosomes (gnomAD). The available data on variant occurrences in the general population are insufficient to allow any conclusion about variant significance. c.2654C>G has been reported in the literature in an individual affected with Zellweger Syndrome (Ebberink_2011). This report does not provide unequivocal conclusions about association of the variant with Zellweger Syndrome. To our knowledge, no experimental evidence demonstrating an impact on protein function has been reported. The following publication has been ascertained in the context of this evaluation (PMID: 21031596). No submitters have cited clinical-significance assessments for this variant to ClinVar. Based on the evidence outlined above, the variant was classified as uncertain significance.

Literature cited by the submitters: PubMed 21031596.